The following is an entry in ClinVar:

ClinVar aggregate classification (germline): Likely pathogenic (1 of 4 stars; one submission).

Conditions:
Renal tubular acidosis with progressive nerve deafness. Also called: Distal Renal Tubular Acidosis with Progressive Sensorineural Deafness; renal tubular acidosis, distal, 2, with progressive sensorineural hearing loss; RENAL TUBULAR ACIDOSIS, AUTOSOMAL RECESSIVE, WITH PROGRESSIVE NERVE DEAFNESS; RTA WITH PROGRESSIVE NERVE DEAFNESS. Identifiers: MedGen C0403554, MONDO:0009968, OMIM 267300.

Submission:

Natera, Inc.
Classification: Likely pathogenic for Renal tubular acidosis with progressive nerve deafness. Last evaluated: 2025-08-07. Review status: criteria provided, single submitter. Criteria: Natera Variant Classification Schema (03/2026). Collection method: clinical testing. Allele origin: germline.
Comment: The c.1060+2T>C variant in ATP6V1B1 is a canonical splice donor site variant predicted to affect pre-mRNA splicing, which may result in an abnormal transcript and altered protein product. This variant is expected to result in nonsense mediated decay, truncation, or a dysfunctional protein product. This variant is rare in the general population with a frequency below the threshold expected for the associated phenotype(s). Given the available evidence, this variant is classified as Likely Pathogenic.

NM_001692.4(ATP6V1B1):c.1060+2T>C

Gene: ATP6V1B1 (ATPase H+ transporting V1 subunit B1; plus strand). Cytogenetic location: 2p13.3.
Variant type: single nucleotide variant.
Coding change: c.1060+2T>C on transcript NM_001692.4 (MANE Select); the canonical splice donor site of the intron after coding-DNA position 1060, T replaced by C.
Molecular consequence: splice donor variant.
Genome position (GRCh38, 1-based): chr2:70,963,314, T>C. VCF-style: chr2-70963314-T-C. GRCh37 (hg19) VCF-style: chr2-71190444-T-C.
Identifiers: ClinVar variation 4814927 (VCV004814927.1).
Genomic context (GRCh38, chr2:70,963,314, plus strand): 5'-CGTGGAGGGTCGGGGAGGATCCATCACACAGATCCCCATCCTCACCATGCCCAACGACGG[T>C]AGCCTCCTCACAGCCCACTACCCTCCAGAGCTCCCCTGTCCTCCCTTTTCCAACCAGATA-3'